The following is an entry in ClinVar:

ClinVar aggregate classification (germline): Conflicting classifications of pathogenicity. Review status: criteria provided, conflicting classifications (1 of 4 stars). 3 submissions from 3 submitters: Uncertain significance (2); Likely benign (1). Last evaluated 2025-11-22.

Conditions:
Hereditary cancer-predisposing syndrome. Also called: Hereditary Cancer Syndrome; Neoplastic Syndromes, Hereditary; Hereditary neoplastic syndrome; Tumor predisposition. Identifiers: Orphanet 140162, MedGen C0027672, MeSH D009386, MONDO:0015356.
Hereditary breast ovarian cancer syndrome. Also called: BRCA1- and BRCA2-Associated Hereditary Breast and Ovarian Cancer; Hereditary breast and ovarian cancer syndrome; Hereditary breast and/or ovarian cancer syndrome; Breast and ovarian cancer; Hereditary breast and ovarian cancer; Hereditary breast and ovarian cancer syndrome (HBOC). Identifiers: Orphanet 145, MedGen C0677776, MeSH D061325, MONDO:0003582. Disease mechanism: loss of function.
Familial cancer of breast. Also called: BREAST CANCER, FAMILIAL; Hereditary breast cancer; hereditary breast carcinoma. Identifiers: Orphanet 227535, MedGen C0346153, MONDO:0016419, OMIM 114480. Disease mechanism: loss of function.

Allele frequency attached by ClinVar (database versions not stated): gnomAD exomes below 0.00001; ExAC 0.00001; gnomAD 0.00001; TOPMed 0.00002.
gnomAD v4.1: 3 of 1,613,990 alleles (0.00019%); highest among the groups gnomAD compares: African/African-American, 0.004%; no homozygotes.

Submissions (3):

Labcorp Genetics (formerly Invitae), Labcorp
Classification: Uncertain significance for Hereditary breast ovarian cancer syndrome. Last evaluated: 2025-11-22. Review status: criteria provided, single submitter. Criteria: Invitae Variant Classification Sherloc (09022015). Collection method: clinical testing. Allele origin: germline.
Comment: This sequence change replaces arginine, which is basic and polar, with glycine, which is neutral and non-polar, at codon 2617 of the BRCA2 protein (p.Arg2617Gly). This variant is present in population databases (rs587782588, gnomAD 0.007%). This variant has not been reported in the literature in individuals affected with BRCA2-related conditions. ClinVar contains an entry for this variant (Variation ID: 142615). Invitae Evidence Modeling of protein sequence and biophysical properties (such as structural, functional, and spatial information, amino acid conservation, physicochemical variation, residue mobility, and thermodynamic stability) indicates that this missense variant is not expected to disrupt BRCA2 protein function with a negative predictive value of 95%. In summary, the available evidence is currently insufficient to determine the role of this variant in disease. Therefore, it has been classified as a Variant of Uncertain Significance.

Ambry Genetics
Classification: Likely benign for Hereditary cancer-predisposing syndrome. Last evaluated: 2025-05-19. Review status: criteria provided, single submitter. Criteria: Ambry Variant Classification Scheme 2023. Collection method: clinical testing. Allele origin: germline.

Baylor Genetics
Classification: Uncertain significance for Familial cancer of breast. Last evaluated: 2024-02-14. Review status: criteria provided, single submitter. Criteria: ACMG Guidelines, 2015. Collection method: clinical testing. Allele origin: unknown.

NM_000059.4(BRCA2):c.7849A>G (p.Arg2617Gly)

Gene: BRCA2 (BRCA2 DNA repair associated; plus strand). Cytogenetic location: 13q13.1.
Variant type: single nucleotide variant.
Coding change: c.7849A>G on transcript NM_000059.4 (MANE Select); coding-DNA position 7849, A replaced by G.
Protein change: p.Arg2617Gly; replaces arginine 2617 with glycine.
Molecular consequence: missense variant.
Genome position (GRCh38, 1-based): chr13:32,362,566, A>G. VCF-style: chr13-32362566-A-G. GRCh37 (hg19) VCF-style: chr13-32936703-A-G.
Other names: short protein forms R2617G.
Identifiers: ClinVar variation 142615 (VCV000142615.17), dbSNP rs587782588, ClinGen allele CA025307.